The following is an entry in ClinVar:

NM_001374828.1(ARID1B):c.2248-47801A>G

Gene: ARID1B (AT-rich interaction domain 1B; plus strand). Cytogenetic location: 6q25.3.
Variant type: single nucleotide variant.
Coding change: c.2248-47801A>G on transcript NM_001374828.1 (MANE Select); 47801 bases into the intron before coding-DNA position 2248, A replaced by G.
Molecular consequence: intron variant. On other transcripts: 5 prime UTR variant (1).
Genome position (GRCh38, 1-based): chr6:157,036,861, A>G. VCF-style: chr6-157036861-A-G. GRCh37 (hg19) VCF-style: chr6-157357995-A-G.
Other names: c.-268A>G (NM_001363725.2); c.2287-47801A>G (NM_001371656.1, NM_001374820.1); c.2248-47801A>G (NM_017519.3).
Identifiers: ClinVar variation 2657059 (VCV002657059.24), dbSNP rs757443510, ClinGen allele CA4066988.
Genomic context (GRCh38, chr6:157,036,861, plus strand): 5'-AGTGCCTAAATTATGTTTTTCCTTATGATTTCAGGTTGAAGTCTTGGCCTCGGAGGATGC[A>G]GCCTTTGGACTCAAGGTGTGTAGTCTGGTGTAGTTCATTGTGGAGGTTTTTGTCAGTTCC-3'

ClinVar aggregate classification (germline): Benign (1 of 4 stars; one submission).

Allele frequency attached by ClinVar (database versions not stated): TOPMed 0.00001; gnomAD 0.00007; gnomAD exomes 0.00029; ExAC 0.00077.
gnomAD v4.1: 108 of 501,816 alleles (0.022%); highest among the groups gnomAD compares: South Asian, 0.16%; 2 homozygotes.

Submission:

CeGaT Center for Human Genetics Tuebingen
Classification: Benign. Last evaluated: 2022-08-01. Review status: criteria provided, single submitter. Criteria: CeGaT Center For Human Genetics Tuebingen Variant Classification Criteria Version 2. Collection method: clinical testing. Allele origin: germline. Affected: yes. Observed: 1 variant allele.
Comment: ARID1B: BS1, BS2